The following is an entry in ClinVar:

NM_000359.3(TGM1):c.1313G>A (p.Trp438Ter)

Gene: TGM1 (transglutaminase 1; minus strand). Cytogenetic location: 14q12.
Variant type: single nucleotide variant.
Coding change: c.1313G>A on transcript NM_000359.3 (MANE Select); coding-DNA position 1313, G replaced by A.
Protein change: p.Trp438Ter; replaces tryptophan 438 with a stop codon.
Molecular consequence: nonsense.
Genome position (GRCh38, 1-based): chr14:24,258,374, C>T on the plus strand (G>A on the coding strand, the complement: TGM1 is on the minus strand). VCF-style: chr14-24258374-C-T. GRCh37 (hg19) VCF-style: chr14-24727580-C-T.
Other names: short protein forms W438*.
Identifiers: ClinVar variation 552831 (VCV000552831.5), dbSNP rs1555306089, ClinGen allele CA389260208.

ClinVar aggregate classification (germline): Pathogenic. Review status: criteria provided, single submitter (1 of 4 stars). 2 submissions from 2 submitters: Pathogenic (1). 1 of the submissions does not count toward it. Last evaluated 2026-01-05.

Conditions:
Autosomal recessive congenital ichthyosis 1 (LI1). Also called: COLLODION FETUS; DESQUAMATION OF NEWBORN; ICHTHYOSIS CONGENITA; ICHTHYOSIS CONGENITA II; LAMELLAR EXFOLIATION OF NEWBORN; ICHTHYOSIS, CONGENITAL, AUTOSOMAL RECESSIVE 1, WITH BATHING SUIT DISTRIBUTION. Identifiers: MedGen C4551630, MONDO:0009441, OMIM 242300.

gnomAD v4.1: 1 of 1,614,136 alleles (0.000062%); highest among the groups gnomAD compares: Non-Finnish European, 0.000085%; no homozygotes.

Submissions (2):

Labcorp Genetics (formerly Invitae), Labcorp
Classification: Pathogenic. Last evaluated: 2026-01-05. Review status: criteria provided, single submitter. Criteria: Invitae Variant Classification Sherloc (09022015). Collection method: clinical testing. Allele origin: germline.
Comment: This sequence change creates a premature translational stop signal (p.Trp438*) in the TGM1 gene. It is expected to result in an absent or disrupted protein product. Loss-of-function variants in TGM1 are known to be pathogenic (PMID: 18948357, 19241467). This variant is not present in population databases (gnomAD no frequency). This premature translational stop signal has been observed in individual(s) with congenital ichthyosiform erythroderma (PMID: 16133457). ClinVar contains an entry for this variant (Variation ID: 552831). For these reasons, this variant has been classified as Pathogenic.

Counsyl
Classification: Likely pathogenic for Autosomal recessive congenital ichthyosis 1. Last evaluated: 2017-07-12. Review status: no assertion criteria provided. Collection method: clinical testing. Allele origin: unknown. Not counted in ClinVar's aggregate classification.

Literature cited by the submitters: PubMed 18948357 (cited by Labcorp Genetics (formerly Invitae), Labcorp); PubMed 19241467 (cited by Labcorp Genetics (formerly Invitae), Labcorp); PubMed 16133457 (cited by Labcorp Genetics (formerly Invitae), Labcorp and Counsyl); PubMed 25525159 (cited by Counsyl).